The following is an entry in ClinVar:

ClinVar aggregate classification (germline): Conflicting classifications of pathogenicity. Review status: criteria provided, conflicting classifications (1 of 4 stars). 11 submissions from 11 submitters: Uncertain significance (5); Likely benign (4). 2 of the submissions do not count toward it. Last evaluated 2026-01-17.

Conditions:
Usher syndrome type 2. Also called: Usher Syndrome Type II. Identifiers: Orphanet 231178, MedGen C0339534, MONDO:0016484.
Inborn genetic diseases. Identifiers: MedGen C0950123, MeSH D030342.

Allele frequency attached by ClinVar (database versions not stated): 1000 Genomes Project 30x 0.00016; 1000 Genomes Project 0.00020; ExAC 0.00041; gnomAD exomes 0.00050; gnomAD 0.00057 and 0.00060; ESP Exome Variant Server 0.00075; TOPMed 0.00095.
gnomAD v4.1: 1,251 of 1,610,862 alleles (0.078%); highest among the groups gnomAD compares: Admixed American, 0.11%; no homozygotes.

Submissions (11):

Labcorp Genetics (formerly Invitae), Labcorp
Classification: Likely benign. Last evaluated: 2026-01-17. Review status: criteria provided, single submitter. Criteria: Invitae Variant Classification Sherloc (09022015). Collection method: clinical testing. Allele origin: germline.

GeneDx
Classification: Uncertain significance. Last evaluated: 2025-12-02. Review status: criteria provided, single submitter. Criteria: GeneDx Variant Classification Process June 2021. Collection method: clinical testing. Allele origin: germline. Affected: yes.
Comment: Identified in a patient with blindness due to alterations of the retina, choroid, vitreous, and/or optic nerve in published literature, however additional patient information was not provided (PMID: 32483926); In silico analysis suggests that this missense variant does not alter protein structure/function; This variant is associated with the following publications: (PMID: 25468891, 25683121, 35593993, 32483926)

Women's Health and Genetics/Laboratory Corporation of America, LabCorp
Classification: Likely benign. Last evaluated: 2025-03-03. Review status: criteria provided, single submitter. Criteria: LabCorp Variant Classification Summary - May 2015. Collection method: clinical testing. Allele origin: germline.
Comment: Variant summary: ADGRV1 c.14761G>A (p.Ala4921Thr) results in a non-conservative amino acid change in the encoded protein sequence. Four of five in-silico tools predict a benign effect of the variant on protein function. The variant allele was found at a frequency of 0.00078 in 1610862 control chromosomes, predominantly at a frequency of 0.0011 within the Latino subpopulation in the gnomAD database. The observed variant frequency within Latino control individuals in the gnomAD database exceeds the estimated maximal expected allele frequency for a pathogenic variant in ADGRV1 causing ADGRV1-Related Disorders phenotype. c.14761G>A has been reported in the literature in at leadt one individual affected with blindness (e.g., Dineiro_2020). However, these report(s) do not provide unequivocal conclusions about association of the variant with ADGRV1-Related Disorders. To our knowledge, no experimental evidence demonstrating an impact on protein function has been reported. The following publication has been ascertained in the context of this evaluation (PMID: 32483926). ClinVar contains an entry for this variant (Variation ID: 178370). Based on the evidence outlined above, the variant was classified as likely benign.

Blueprint Genetics
Classification: Likely benign. Last evaluated: 2024-11-21. Review status: criteria provided, single submitter. Criteria: ACMG Guidelines, 2015. Collection method: clinical testing. Allele origin: germline.

ARUP Laboratories, Molecular Genetics and Genomics, ARUP Laboratories
Classification: Uncertain significance. Last evaluated: 2022-09-13. Review status: criteria provided, single submitter. Criteria: ARUP Molecular Germline Variant Investigation Process 2021. Collection method: clinical testing. Allele origin: germline.
Comment: The ADGRV1 c.14761G>A; p.Ala4921Thr variant (rs200115167), to our knowledge, has not been reported in the medical literature; however, it is listed in the ClinVar database with conflicting interpretations of pathogenicity (Variation ID: 178370). This variant is found in the general population with an allele frequency in non-Finnish European populations of 0.00% (101/128,320 alleles) in the Genome Aggregation Database. The alanine at codon 4921 is moderately conserved (Alamut v.2.11) and computational analyses (SIFT, PolyPhen-2) predict that this variant is tolerated. However, based on the available information, the clinical significance of this variant is uncertain.

Department of Pathology and Laboratory Medicine, Sinai Health System
Classification: Uncertain significance for Usher syndrome type 2. Last evaluated: 2022-04-07. Review status: criteria provided, single submitter. Criteria: ACMG Guidelines, 2015. Collection method: research. Allele origin: germline.

Ambry Genetics
Classification: Uncertain significance for Inborn genetic diseases. Last evaluated: 2021-07-09. Review status: criteria provided, single submitter. Criteria: Ambry Variant Classification Scheme 2023. Collection method: clinical testing. Allele origin: germline.

Eurofins Ntd Llc (ga)
Classification: Uncertain significance. Last evaluated: 2015-03-20. Review status: criteria provided, single submitter. Criteria: EGL Classification Definitions 2015. Collection method: clinical testing. Allele origin: germline. Observed: 1 variant allele, 1 heterozygote.

Laboratory for Molecular Medicine, Mass General Brigham Personalized Medicine
Classification: Likely benign. Last evaluated: 2013-04-24. Review status: criteria provided, single submitter. Criteria: LMM Criteria. Collection method: clinical testing. Allele origin: germline. Observed: 1 variant allele.
Comment: Ala4921Thr in exon 72 of GPR98: This variant is not expected to have clinical si gnificance because it has been identified in 0.1% (8/8218) of European American chromosomes by the NHLBI Exome Sequencing Project (EVS/; dbSNP rs200115167). Furthermore, this amino acid is not well conserved acr oss species and several mammals carry a threonine (Thr) at this position.

Clinical Genetics DNA and cytogenetics Diagnostics Lab, Erasmus MC, Erasmus Medical Center
Classification: Likely benign. Review status: no assertion criteria provided. Collection method: clinical testing. Allele origin: germline. Affected: yes. Study: VKGL Data-share Consensus. Not counted in ClinVar's aggregate classification.

Genome Diagnostics Laboratory, University Medical Center Utrecht
Classification: Likely benign. Review status: no assertion criteria provided. Collection method: clinical testing. Allele origin: germline. Affected: yes. Study: VKGL Data-share Consensus. Not counted in ClinVar's aggregate classification.

Literature cited by the submitters: PubMed 32483926 (cited by Women's Health and Genetics/Laboratory Corporation of America, LabCorp).

NM_032119.4(ADGRV1):c.14761G>A (p.Ala4921Thr)

Gene: ADGRV1 (adhesion G protein-coupled receptor V1; plus strand). Cytogenetic location: 5q14.3.
Variant type: single nucleotide variant.
Coding change: c.14761G>A on transcript NM_032119.4 (MANE Select); coding-DNA position 14761, G replaced by A.
Protein change: p.Ala4921Thr; replaces alanine 4921 with threonine.
Molecular consequence: missense variant. On other transcripts: non-coding transcript variant (1).
Genome position (GRCh38, 1-based): chr5:90,805,383, G>A. VCF-style: chr5-90805383-G-A. GRCh37 (hg19) VCF-style: chr5-90101200-G-A.
Other names: short protein forms A4921T.
Identifiers: ClinVar variation 178370 (VCV000178370.34), dbSNP rs200115167, ClinGen allele CA182198.